The following is an entry in ClinVar:

ClinVar aggregate classification (germline): Pathogenic/Likely pathogenic. Review status: criteria provided, multiple submitters, no conflicts (2 of 4 stars). 2 submissions from 2 submitters: Pathogenic (1); Likely pathogenic (1). Last evaluated 2019-07-06.

Conditions:
Maturity-onset diabetes of the young (MODY). Also called: Maturity onset diabetes mellitus in young. Identifiers: Orphanet 552, MedGen C0342276, MONDO:0018911, HP:0004904.
Renal cysts and diabetes syndrome (RCAD). Also called: Familial hypoplastic, glomerulocystic kidney; MATURITY-ONSET DIABETES OF THE YOUNG, TYPE 5. Identifiers: Orphanet 93111, MedGen C0431693, MONDO:0007669, OMIM 137920.

Submissions (2):

Institute of Human Genetics, FAU Erlangen, Friedrich-Alexander-Universität Erlangen-Nürnberg
Classification: Pathogenic for Renal cysts and diabetes syndrome. Last evaluated: 2019-07-06. Review status: criteria provided, single submitter. Criteria: ACMG Guidelines, 2015. Collection method: literature only. Allele origin: germline. Affected: yes.
Comment: This variant and it's classification has been reported by Vasileiou et al. 2019; DOI:10.1101/576918. The variants has previously been reported in PMID:25700310; PMID:16801329; PMID:25536396 as "c.1406_1413dupTGCAGCCC" with clinical significance Pathogenic. It has been re-classified using InterVar and manual curation as Pathogenic based on PVS1 PM2 PP3.

Clinical Genomics, Uppaluri K&H Personalized Medicine Clinic
Classification: Likely pathogenic for Maturity-onset diabetes of the young. Review status: criteria provided, single submitter. Criteria: K & H Uppaluri Personalized Medicine Clinic Variant Classification & Assertion Criteria_Updated V.1. Collection method: research. Allele origin: unknown. Inheritance: Autosomal dominant inheritance.
Comment: HNF1B gene mutations are associated with early onset diabetes and pancreatic atrophy. It is also associated with multiple renal manifestations including renal cysts, Tubulointerstitial disease, glomerulocystic disease, renal hypoplasia, hypomagnesemia. However no sufficient evidence is found to ascertain the role of this particular variant rs1598806177, yet.

Literature cited by the submitters: PubMed 25700310 (cited by Institute of Human Genetics, FAU Erlangen, Friedrich-Alexander-Universität Erlangen-Nürnberg); PubMed 16801329 (cited by Institute of Human Genetics, FAU Erlangen, Friedrich-Alexander-Universität Erlangen-Nürnberg); PubMed 25536396 (cited by Institute of Human Genetics, FAU Erlangen, Friedrich-Alexander-Universität Erlangen-Nürnberg and Clinical Genomics, Uppaluri K&H Personalized Medicine Clinic); DOI 10.1101/576918 (cited by Institute of Human Genetics, FAU Erlangen, Friedrich-Alexander-Universität Erlangen-Nürnberg); PubMed 24897035 (cited by Clinical Genomics, Uppaluri K&H Personalized Medicine Clinic); PubMed 27615128 (cited by Clinical Genomics, Uppaluri K&H Personalized Medicine Clinic); PubMed 28215227 (cited by Clinical Genomics, Uppaluri K&H Personalized Medicine Clinic); PubMed 33434175 (cited by Clinical Genomics, Uppaluri K&H Personalized Medicine Clinic); PubMed 25741167 (cited by Clinical Genomics, Uppaluri K&H Personalized Medicine Clinic); PubMed 26340261 (cited by Clinical Genomics, Uppaluri K&H Personalized Medicine Clinic); PubMed 19639018 (cited by Clinical Genomics, Uppaluri K&H Personalized Medicine Clinic).

NM_000458.4(HNF1B):c.1406_1413dup (p.Val472fs)

Gene: HNF1B (HNF1 homeobox B; minus strand). Cytogenetic location: 17q12.
Variant type: Duplication.
Coding change: c.1406_1413dup on transcript NM_000458.4 (MANE Select); coding-DNA positions 1406 to 1413, 8 bases duplicated (TGCAGCCC; older notation c.1406_1413dupTGCAGCCC).
Protein change: p.Val472fs; shifts the reading frame from valine 472.
Molecular consequence: frameshift variant. On other transcripts: intron variant (1).
Genome position (GRCh38, 1-based): chr17:37,701,104-37,701,111, GGGCTGCA duplicated on the plus strand (TGCAGCCC on the coding strand, the reverse complement: HNF1B is on the minus strand); duplicating any 8 consecutive bases within chr17:37,701,104-37,701,118 gives the same sequence; the c. name uses the placement nearest the transcript's 3' end. VCF-style (leftmost placement, unchanged base first): chr17-37701103-C-CGGGCTGCA. GRCh37 (hg19) VCF-style: chr17-36061108-C-CGGGCTGCA.
Other names: c.1328_1335dup, p.Val446fs (NM_001165923.4); c.1261+3806_1261+3813dup (NM_001304286.2); short protein forms V446fs, V472fs.
Identifiers: ClinVar variation 635584 (VCV000635584.2), dbSNP rs1598806177, ClinGen allele CA913190643.